The following is an entry in ClinVar:

NM_014049.5(ACAD9):c.404_407del (p.Asp135fs)

Gene: ACAD9 (acyl-CoA dehydrogenase family member 9; plus strand). Cytogenetic location: 3q21.3.
Variant type: Microsatellite.
Coding change: c.404_407del on transcript NM_014049.5 (MANE Select); coding-DNA positions 404 to 407, 4 bases deleted (ATGG; older notation c.404_407delATGG).
Protein change: p.Asp135fs; shifts the reading frame from aspartic acid 135.
Molecular consequence: frameshift variant. On other transcripts: non-coding transcript variant (1).
Genome position (GRCh38, 1-based): chr3:128,895,367-128,895,370, ATGG deleted; deleting any 4 consecutive bases within chr3:128,895,363-128,895,370 gives the same sequence; the c. name uses the placement nearest the transcript's 3' end. VCF-style (leftmost placement, unchanged base first): chr3-128895362-CATGG-C. GRCh37 (hg19) VCF-style: chr3-128614205-CATGG-C.
Other names: c.35_38del, p.Asp12fs (NM_001410805.1); short protein forms D135fs, D12fs.
Identifiers: ClinVar variation 2826762 (VCV002826762.3), dbSNP rs2529255346, ClinGen allele CA2667558303.

ClinVar aggregate classification (germline): Pathogenic (1 of 4 stars; one submission).

Submission:

Labcorp Genetics (formerly Invitae), Labcorp
Classification: Pathogenic. Last evaluated: 2023-01-07. Review status: criteria provided, single submitter. Criteria: Invitae Variant Classification Sherloc (09022015). Collection method: clinical testing. Allele origin: germline.
Comment: For these reasons, this variant has been classified as Pathogenic. Algorithms developed to predict the effect of sequence changes on RNA splicing suggest that this variant may disrupt the consensus splice site. This variant has not been reported in the literature in individuals affected with ACAD9-related conditions. This variant is not present in population databases (gnomAD no frequency). This sequence change creates a premature translational stop signal (p.Asp135Glyfs*5) in the ACAD9 gene. It is expected to result in an absent or disrupted protein product. Loss-of-function variants in ACAD9 are known to be pathogenic (PMID: 25721401).

Literature cited by the submitters: PubMed 25721401.